The following is an entry in ClinVar:

ClinVar aggregate classification (germline): Uncertain significance (1 of 4 stars; one submission).

Conditions:
Inborn genetic diseases. Identifiers: MedGen C0950123, MeSH D030342.

Submission:

Ambry Genetics
Classification: Uncertain significance for Inborn genetic diseases. Last evaluated: 2025-04-12. Review status: criteria provided, single submitter. Criteria: Ambry Variant Classification Scheme 2023. Collection method: clinical testing. Allele origin: germline.
Comment: The p.R1038K variant (also known as c.3113G>A), located in coding exon 24 of the ANKRD26 gene, results from a G to A substitution at nucleotide position 3113. The arginine at codon 1038 is replaced by lysine, an amino acid with highly similar properties. This amino acid position is conserved. In addition, this alteration is predicted to be tolerated by in silico analysis. Based on the available evidence, the clinical significance of this variant remains unclear.

NM_014915.3(ANKRD26):c.3113G>A (p.Arg1038Lys)

Gene: ANKRD26 (ankyrin repeat domain containing 26; minus strand). Cytogenetic location: 10p12.1.
Variant type: single nucleotide variant.
Coding change: c.3113G>A on transcript NM_014915.3 (MANE Select); coding-DNA position 3113, G replaced by A.
Protein change: p.Arg1038Lys; replaces arginine 1038 with lysine.
Molecular consequence: missense variant.
Genome position (GRCh38, 1-based): chr10:27,035,337, C>T on the plus strand (G>A on the coding strand, the complement: ANKRD26 is on the minus strand). VCF-style: chr10-27035337-C-T. GRCh37 (hg19) VCF-style: chr10-27324266-C-T.
Other names: c.3110G>A, p.Arg1037Lys (NM_001256053.2); short protein forms R1037K, R1038K.
Identifiers: ClinVar variation 3912158 (VCV003912158.1).